The following is an entry in ClinVar:

NM_032447.5(FBN3):c.1280C>T (p.Thr427Met)

Gene: FBN3 (fibrillin 3; minus strand). Cytogenetic location: 19p13.2.
Variant type: single nucleotide variant.
Coding change: c.1280C>T on transcript NM_032447.5 (MANE Select); coding-DNA position 1280, C replaced by T.
Protein change: p.Thr427Met; replaces threonine 427 with methionine.
Molecular consequence: missense variant.
Genome position (GRCh38, 1-based): chr19:8,136,453, G>A on the plus strand (C>T on the coding strand, the complement: FBN3 is on the minus strand). VCF-style: chr19-8136453-G-A. GRCh37 (hg19) VCF-style: chr19-8201337-G-A.
Other names: c.1280C>T, p.Thr427Met (NM_001321431.2); short protein forms T427M.
Identifiers: ClinVar variation 2959442 (VCV002959442.3), dbSNP rs151307628, ClinGen allele CA9153407.
Genomic context (GRCh38, chr19:8,136,453, plus strand): 5'-CACTCGCCGCGCACGTCCTGGGTGTAGCCCACGTTACACTCGCAGCGGTAGCTGGAAGGC[G>A]TGGGCAGGCAGCGGCCATTCAGACACAGGTTGGTGAAGTGTCGGCAGATGTCAATGGTCT-3'
Protein context (NP_115823.3, residues 417-437): NLCLNGRCLP[Thr427Met]PSSYRCECNV

ClinVar aggregate classification (germline): Uncertain significance (1 of 4 stars; one submission).

Allele frequency attached by ClinVar (database versions not stated): gnomAD exomes 0.00002; TOPMed 0.00002; gnomAD 0.00003; ExAC 0.00006; ESP Exome Variant Server 0.00008; 1000 Genomes Project 0.00020; 1000 Genomes Project 30x 0.00031.
gnomAD v4.1: 37 of 1,614,212 alleles (0.0023%); highest among the groups gnomAD compares: Admixed American, 0.015%; no homozygotes.

Submission:

Labcorp Genetics (formerly Invitae), Labcorp
Classification: Uncertain significance. Last evaluated: 2023-12-26. Review status: criteria provided, single submitter. Criteria: Invitae Variant Classification Sherloc (09022015). Collection method: clinical testing. Allele origin: germline.
Comment: This sequence change replaces threonine, which is neutral and polar, with methionine, which is neutral and non-polar, at codon 427 of the FBN3 protein (p.Thr427Met). This variant is present in population databases (rs151307628, gnomAD 0.03%). This variant has not been reported in the literature in individuals affected with FBN3-related conditions. Advanced modeling of protein sequence and biophysical properties (such as structural, functional, and spatial information, amino acid conservation, physicochemical variation, residue mobility, and thermodynamic stability) performed at Invitae indicates that this missense variant is not expected to disrupt FBN3 protein function with a negative predictive value of 80%. In summary, the available evidence is currently insufficient to determine the role of this variant in disease. Therefore, it has been classified as a Variant of Uncertain Significance.